The following is an entry in ClinVar:

NM_144991.3(TSPEAR):c.57C>T (p.Gly19=)

Gene: TSPEAR (thrombospondin type laminin G domain and EAR repeats; minus strand). Cytogenetic location: 21q22.3.
Variant type: single nucleotide variant.
Coding change: c.57C>T on transcript NM_144991.3 (MANE Select); coding-DNA position 57, C replaced by T.
Protein change: p.Gly19=; no amino-acid change (glycine 19 retained).
Molecular consequence: synonymous variant. On other transcripts: 5 prime UTR variant (1).
Genome position (GRCh38, 1-based): chr21:44,711,458, G>A on the plus strand (C>T on the coding strand, the complement: TSPEAR is on the minus strand). VCF-style: chr21-44711458-G-A. GRCh37 (hg19) VCF-style: chr21-46131373-G-A.
Other names: c.-210C>T (NM_001272037.2).
Identifiers: ClinVar variation 749283 (VCV000749283.12), dbSNP rs547861049, ClinGen allele CA10061745.

ClinVar aggregate classification (germline): Benign. Review status: criteria provided, multiple submitters, no conflicts (2 of 4 stars). 3 submissions from 3 submitters: Benign (2). 1 of the submissions does not count toward it. Last evaluated 2026-01-01.

Conditions:
TSPEAR-related disorder. Also called: TSPEAR-related condition.

Allele frequency attached by ClinVar (database versions not stated): gnomAD 0.00001 and 0.00018; TOPMed 0.00005; gnomAD exomes 0.00039 and 0.00075; 1000 Genomes Project 0.00080; 1000 Genomes Project 30x 0.00094; ExAC 0.00131.
gnomAD v4.1: 588 of 1,610,570 alleles (0.037%); highest among the groups gnomAD compares: South Asian, 0.63%; 5 homozygotes.

Submissions (3):

Labcorp Genetics (formerly Invitae), Labcorp
Classification: Benign. Last evaluated: 2026-01-01. Review status: criteria provided, single submitter. Criteria: Invitae Variant Classification Sherloc (09022015). Collection method: clinical testing. Allele origin: germline.

GeneDx
Classification: Benign. Last evaluated: 2021-05-31. Review status: criteria provided, single submitter. Criteria: GeneDx Variant Classification Process June 2021. Collection method: clinical testing. Allele origin: germline. Affected: yes.

PreventionGenetics, part of Exact Sciences
Classification: Likely benign for TSPEAR-related condition. Last evaluated: 2020-10-27. Review status: no assertion criteria provided. Collection method: clinical testing. Allele origin: germline. Not counted in ClinVar's aggregate classification.
Comment: This variant is classified as likely benign based on ACMG/AMP sequence variant interpretation guidelines (Richards et al. 2015 PMID: 25741868, with internal and published modifications).